The following is an entry in ClinVar:

ClinVar aggregate classification (germline): Uncertain significance (1 of 4 stars; one submission).

Allele frequency attached by ClinVar (database versions not stated): ExAC 0.00001; gnomAD 0.00001; TOPMed 0.00002.
gnomAD v4.1: 6 of 1,614,014 alleles (0.00037%); highest among the groups gnomAD compares: Admixed American, 0.01%; no homozygotes.

Submission:

Labcorp Genetics (formerly Invitae), Labcorp
Classification: Uncertain significance. Last evaluated: 2025-09-02. Review status: criteria provided, single submitter. Criteria: Invitae Variant Classification Sherloc (09022015). Collection method: clinical testing. Allele origin: germline.
Comment: This sequence change falls in intron 10 of the ADSSL1 gene. It does not directly change the encoded amino acid sequence of the ADSSL1 protein. It affects a nucleotide within the consensus splice site. This variant is present in population databases (rs775045736, gnomAD 0.006%). This variant has not been reported in the literature in individuals affected with ADSSL1-related conditions. ClinVar contains an entry for this variant (Variation ID: 1942252). Variants that disrupt the consensus splice site are a relatively common cause of aberrant splicing (PMID: 17576681, 9536098). Algorithms developed to predict the effect of sequence changes on RNA splicing suggest that this variant is not likely to affect RNA splicing. In summary, the available evidence is currently insufficient to determine the role of this variant in disease. Therefore, it has been classified as a Variant of Uncertain Significance.

Literature cited by the submitters: PubMed 17576681; PubMed 9536098.

NM_152328.5(ADSS1):c.1074-3C>T

Gene: ADSS1 (adenylosuccinate synthase 1; plus strand). Cytogenetic location: 14q32.33.
Variant type: single nucleotide variant.
Coding change: c.1074-3C>T on transcript NM_152328.5 (MANE Select); 3 bases into the intron before coding-DNA position 1074, C replaced by T.
Molecular consequence: intron variant.
Genome position (GRCh38, 1-based): chr14:104,744,809, C>T. VCF-style: chr14-104744809-C-T. GRCh37 (hg19) VCF-style: chr14-105211146-C-T.
Other names: c.1203-3C>T (NM_199165.2); c.459-3C>T (NM_001320424.1).
Identifiers: ClinVar variation 1942252 (VCV001942252.5), dbSNP rs775045736, ClinGen allele CA7374027.